The following is an entry in ClinVar:

ClinVar aggregate classification (germline): Uncertain significance. Review status: criteria provided, multiple submitters, no conflicts (2 of 4 stars). 2 submissions from 2 submitters: Uncertain significance (2). Last evaluated 2023-08-27.

Conditions:
Perry syndrome. Also called: PARKINSONISM WITH ALVEOLAR HYPOVENTILATION AND MENTAL DEPRESSION. Identifiers: Orphanet 178509, MedGen C1868594, MONDO:0008201, OMIM 168605.
Amyotrophic lateral sclerosis type 1 (ALS1). Also called: AMYOTROPHIC LATERAL SCLEROSIS 1, FAMILIAL. Identifiers: Orphanet 803, MedGen C1862939, MONDO:0007103, OMIM 105400.
Neuronopathy, distal hereditary motor, type 7B. Also called: Distal Hereditary Motor Neuronopathy Type 7B (dHMN7B); HMN VIIB; LOWER MOTOR NEURON DISEASE, DYNACTIN TYPE; NEURONOPATHY, DISTAL HEREDITARY MOTOR, AUTOSOMAL DOMINANT 14; NEURONOPATHY, DISTAL HEREDITARY MOTOR, HARDING TYPE VIIB; NEUROPATHY, DISTAL HEREDITARY MOTOR, HARDING TYPE VIIB. Identifiers: Orphanet 139589, MedGen C1843315, MONDO:0011879, OMIM 607641.

Allele frequency attached by ClinVar (database versions not stated): gnomAD exomes below 0.00001.
gnomAD v4.1: 2 of 1,613,194 alleles (0.00012%); highest among the groups gnomAD compares: African/African-American, 0.0013%; no homozygotes.

Submissions (2):

Labcorp Genetics (formerly Invitae), Labcorp
Classification: Uncertain significance for Amyotrophic lateral sclerosis type 1; Neuronopathy, distal hereditary motor, type 7B; Perry syndrome. Last evaluated: 2023-08-27. Review status: criteria provided, single submitter. Criteria: Invitae Variant Classification Sherloc (09022015). Collection method: clinical testing. Allele origin: germline.
Comment: In summary, the available evidence is currently insufficient to determine the role of this variant in disease. Therefore, it has been classified as a Variant of Uncertain Significance. ClinVar contains an entry for this variant (Variation ID: 1677992). This variant has not been reported in the literature in individuals affected with DCTN1-related conditions. This variant is not present in population databases (gnomAD no frequency). This sequence change creates a premature translational stop signal (p.Arg643*) in the DCTN1 gene. It is expected to result in an absent or disrupted protein product. However, the current clinical and genetic evidence is not sufficient to establish whether loss-of-function variants in DCTN1 cause disease.

AiLife Diagnostics
Classification: Uncertain significance. Last evaluated: 2022-02-28. Review status: criteria provided, single submitter. Criteria: ACMG Guidelines, 2015. Collection method: clinical testing. Allele origin: germline. Affected: yes. Observed: 1 variant allele.

NM_004082.5(DCTN1):c.1927C>T (p.Arg643Ter)

Gene: DCTN1 (dynactin subunit 1; minus strand). Cytogenetic location: 2p13.1.
Variant type: single nucleotide variant.
Coding change: c.1927C>T on transcript NM_004082.5 (MANE Select); coding-DNA position 1927, C replaced by T.
Protein change: p.Arg643Ter; replaces arginine 643 with a stop codon.
Molecular consequence: nonsense. On other transcripts: non-coding transcript variant (1).
Genome position (GRCh38, 1-based): chr2:74,368,059, G>A on the plus strand (C>T on the coding strand, the complement: DCTN1 is on the minus strand). VCF-style: chr2-74368059-G-A. GRCh37 (hg19) VCF-style: chr2-74595186-G-A.
Other names: c.1867C>T, p.Arg623Ter (NM_001135040.3); c.1525C>T, p.Arg509Ter (NM_001135041.3, NM_023019.4); c.1816C>T, p.Arg606Ter (NM_001190836.2); c.1906C>T, p.Arg636Ter (NM_001190837.2); c.1876C>T, p.Arg626Ter (NM_001378991.1); c.1858C>T, p.Arg620Ter (NM_001378992.1); short protein forms R509*, R606*, R620*, R623*, R626*, R636*, R643*.
Identifiers: ClinVar variation 1677992 (VCV001677992.4), dbSNP rs866457869, ClinGen allele CA50475304.